The following is an entry in ClinVar:

NM_000719.7(CACNA1C):c.4135A>G (p.Met1379Val)

Gene: CACNA1C (calcium voltage-gated channel subunit alpha1 C; plus strand). Cytogenetic location: 12p13.33.
Variant type: single nucleotide variant.
Coding change: c.4135A>G on transcript NM_000719.7 (MANE Select); coding-DNA position 4135, A replaced by G.
Protein change: p.Met1379Val; replaces methionine 1379 with valine.
Molecular consequence: missense variant.
Genome position (GRCh38, 1-based): chr12:2,653,895, A>G. VCF-style: chr12-2653895-A-G. GRCh37 (hg19) VCF-style: chr12-2763061-A-G.
Other names: c.4279A>G, p.Met1427Val (NM_001129827.2, NM_199460.4); c.4201A>G, p.Met1401Val (NM_001129829.2); c.4135A>G, p.Met1379Val (NM_001129830.3, NM_001129833.2, NM_001129834.2 and 7 more transcripts); c.4219A>G, p.Met1407Val (NM_001129831.2); c.4195A>G, p.Met1399Val (NM_001129832.2); c.4186A>G, p.Met1396Val (NM_001129836.2); c.4102A>G, p.Met1368Val (NM_001129837.2, NM_001129838.2, NM_001129846.2 and 1 more transcripts); c.4096A>G, p.Met1366Val (NM_001129839.2); and 1 more; short protein forms M1396V, M1401V, M1366V, M1368V, M1379V, M1376V, M1399V, M1407V.
Identifiers: ClinVar variation 947695 (VCV000947695.10), dbSNP rs2095262521, ClinGen allele CA383374048.

ClinVar aggregate classification (germline): Uncertain significance (1 of 4 stars; one submission).

Conditions:
Long QT syndrome (LQTS). Identifiers: MedGen C0023976, MeSH D008133, MONDO:0002442. Disease mechanism: loss of function. Inheritance: Various modes of inheritance.

Submission:

Labcorp Genetics (formerly Invitae), Labcorp
Classification: Uncertain significance for Long QT syndrome. Last evaluated: 2020-01-15. Review status: criteria provided, single submitter. Criteria: Invitae Variant Classification Sherloc (09022015). Collection method: clinical testing. Allele origin: germline.
Comment: This sequence change replaces methionine with valine at codon 1379 of the CACNA1C protein (p.Met1379Val). The methionine residue is highly conserved and there is a small physicochemical difference between methionine and valine. In summary, the available evidence is currently insufficient to determine the role of this variant in disease. Therefore, it has been classified as a Variant of Uncertain Significance. Algorithms developed to predict the effect of missense changes on protein structure and function are either unavailable or do not agree on the potential impact of this missense change (SIFT: "Deleterious"; PolyPhen-2: "Probably Damaging"; Align-GVGD: "Class C15"). This variant has not been reported in the literature in individuals with CACNA1C-related conditions. This variant is not present in population databases (ExAC no frequency).